The following is an entry in ClinVar:

NM_000059.4(BRCA2):c.1943C>G (p.Ser648Ter)

Gene: BRCA2 (BRCA2 DNA repair associated; plus strand). Cytogenetic location: 13q13.1.
Variant type: single nucleotide variant.
Coding change: c.1943C>G on transcript NM_000059.4 (MANE Select); coding-DNA position 1943, C replaced by G.
Protein change: p.Ser648Ter; replaces serine 648 with a stop codon.
Molecular consequence: nonsense.
Genome position (GRCh38, 1-based): chr13:32,336,298, C>G. VCF-style: chr13-32336298-C-G. GRCh37 (hg19) VCF-style: chr13-32910435-C-G.
Other names: S648X (2171C>G); short protein forms S648*.
Identifiers: ClinVar variation 266670 (VCV000266670.7), dbSNP rs886040398, ClinGen allele CA10589129.

ClinVar aggregate classification (germline): Pathogenic. Review status: reviewed by expert panel (3 of 4 stars). 2 submissions from 2 submitters: Pathogenic (1). 1 of the submissions does not count toward it. Last evaluated 2016-10-18.

Conditions:
Breast-ovarian cancer, familial, susceptibility to, 2 (BROVCA2). Also called: BRCA2 Hereditary Breast and Ovarian Cancer. Identifiers: Orphanet 145, MedGen C2675520, MONDO:0012933, OMIM 612555. Disease mechanism: loss of function.

Submissions (2):

Evidence-based Network for the Interpretation of Germline Mutant Alleles (ENIGMA)
Classification: Pathogenic for Breast-ovarian cancer, familial, susceptibility to, 2. Last evaluated: 2016-10-18. Review status: reviewed by expert panel. Criteria: ENIGMA BRCA1/2 Classification Criteria (2015). Collection method: curation. Allele origin: germline.
Comment: Variant allele predicted to encode a truncated non-functional protein.

Consortium of Investigators of Modifiers of BRCA1/2 (CIMBA), c/o University of Cambridge
Classification: Pathogenic for Breast-ovarian cancer, familial, susceptibility to, 2. Last evaluated: 2015-10-02. Review status: criteria provided, single submitter. Criteria: CIMBA Mutation Classification guidelines May 2016. Collection method: clinical testing. Allele origin: germline. Not counted in ClinVar's aggregate classification.